The following is an entry in ClinVar:

ClinVar aggregate classification (germline): Uncertain significance (1 of 4 stars; one submission).

Conditions:
Hereditary cancer-predisposing syndrome. Also called: Tumor predisposition; Neoplastic Syndromes, Hereditary; Hereditary Cancer Syndrome; Hereditary neoplastic syndrome. Identifiers: Orphanet 140162, MedGen C0027672, MeSH D009386, MONDO:0015356.

Allele frequency attached by ClinVar (database versions not stated): gnomAD exomes below 0.00001.
gnomAD v4.1: 1 of 1,613,668 alleles (0.000062%); highest among the groups gnomAD compares: Middle Eastern, 0.016%; no homozygotes.

Submission:

Ambry Genetics
Classification: Uncertain significance for Hereditary cancer-predisposing syndrome. Last evaluated: 2022-01-10. Review status: criteria provided, single submitter. Criteria: Ambry Variant Classification Scheme 2023. Collection method: clinical testing. Allele origin: germline.
Comment: The p.A1057D variant (also known as c.3170C>A), located in coding exon 11 of the PALB2 gene, results from a C to A substitution at nucleotide position 3170. The alanine at codon 1057 is replaced by aspartic acid, an amino acid with dissimilar properties. This amino acid position is conserved. In addition, the in silico prediction for this alteration is inconclusive. Since supporting evidence is limited at this time, the clinical significance of this alteration remains unclear.

NM_024675.4(PALB2):c.3170C>A (p.Ala1057Asp)

Gene: PALB2 (partner and localizer of BRCA2; minus strand). Cytogenetic location: 16p12.2.
Variant type: single nucleotide variant.
Coding change: c.3170C>A on transcript NM_024675.4 (MANE Select); coding-DNA position 3170, C replaced by A.
Protein change: p.Ala1057Asp; replaces alanine 1057 with aspartic acid.
Molecular consequence: missense variant.
Genome position (GRCh38, 1-based): chr16:23,614,035, G>T on the plus strand (C>A on the coding strand, the complement: PALB2 is on the minus strand). VCF-style: chr16-23614035-G-T. GRCh37 (hg19) VCF-style: chr16-23625356-G-T.
Other names: c.3110C>A, p.Ala1037Asp (NM_001407296.1); c.3098C>A, p.Ala1033Asp (NM_001407297.1); c.3008C>A, p.Ala1003Asp (NM_001407298.1, NM_001407302.1); c.2891C>A, p.Ala964Asp (NM_001407300.1); c.3170C>A, p.Ala1057Asp (NM_001407301.1); c.2285C>A, p.Ala762Asp (NM_001407304.1, NM_001407305.1, NM_001407306.1 and 2 more transcripts); c.2123C>A, p.Ala708Asp (NM_001407307.1); c.1382C>A, p.Ala461Asp (NM_001407312.1, NM_001407313.1); and 1 more; short protein forms A1037D, A1057D, A708D, A1003D, A762D, A964D, A461D, A1033D.
Identifiers: ClinVar variation 1728429 (VCV001728429.2), dbSNP rs2142299183, ClinGen allele CA395141234.